The following is an entry in ClinVar:

NM_000135.4(FANCA):c.1625A>T (p.Glu542Val)

Gene: FANCA (FA complementation group A; minus strand). Cytogenetic location: 16q24.3.
Variant type: single nucleotide variant.
Coding change: c.1625A>T on transcript NM_000135.4 (MANE Select); coding-DNA position 1625, A replaced by T.
Protein change: p.Glu542Val; replaces glutamic acid 542 with valine.
Molecular consequence: missense variant.
Genome position (GRCh38, 1-based): chr16:89,782,860, T>A on the plus strand (A>T on the coding strand, the complement: FANCA is on the minus strand). VCF-style: chr16-89782860-T-A. GRCh37 (hg19) VCF-style: chr16-89849268-T-A.
Other names: c.1625A>T, p.Glu542Val (NM_001286167.3); c.1625A>T (LRG_495t1); short protein forms E542V.
Identifiers: ClinVar variation 134245 (VCV000134245.4), dbSNP rs587778310, ClinGen allele CA159250.

ClinVar aggregate classification (germline): Uncertain significance. Review status: criteria provided, multiple submitters, no conflicts (2 of 4 stars). 4 submissions from 4 submitters: Uncertain significance (2). 2 of the submissions do not count toward it. Last evaluated 2026-07-28.

Conditions:
Inborn genetic diseases. Identifiers: MedGen C0950123, MeSH D030342.
Fanconi anemia complementation group A (FANCA). Also called: Fanconi anemia, group A; FANCA-Related Fanconi Anemia. Identifiers: Orphanet 84, MedGen C3469521, MONDO:0009215, OMIM 227650.

Allele frequency attached by ClinVar (database versions not stated): gnomAD exomes below 0.00001.

Submissions (4):

Ambry Genetics
Classification: Uncertain significance for Inborn genetic diseases. Last evaluated: 2026-07-28. Review status: criteria provided, single submitter. Criteria: Ambry Variant Classification Scheme 2023. Collection method: clinical testing. Allele origin: germline.
Comment: The p.E542V variant (also known as c.1625A>T), located in coding exon 17 of the FANCA gene, results from an A to T substitution at nucleotide position 1625. The glutamic acid at codon 542 is replaced by valine, an amino acid with dissimilar properties. This amino acid position is conserved. In addition, the in silico prediction for this alteration is inconclusive. Based on the available evidence, the clinical significance of this variant remains unclear.

Women's Health and Genetics/Laboratory Corporation of America, LabCorp
Classification: Uncertain significance. Last evaluated: 2025-10-21. Review status: criteria provided, single submitter. Criteria: LabCorp Variant Classification Summary - May 2015. Collection method: clinical testing. Allele origin: germline.
Comment: Variant summary: FANCA c.1625A>T (p.Glu542Val) results in a non-conservative amino acid change in the encoded protein sequence. Algorithms developed to predict the effect of missense changes on protein structure and function all suggest that this variant is likely to be disruptive. Several computational tools predict a significant impact on normal splicing: Two predict the variant abolishes a 5' splicing donor site. Two predict the variant weakens a 5' donor site. However, these predictions have yet to be confirmed by functional studies. The variant allele was found at a frequency of 4e-06 in 251366 control chromosomes (gnomAD). The available data on variant occurrences in the general population are insufficient to allow any conclusion about variant significance. To our knowledge, no occurrence of c.1625A>T in individuals affected with FANCA-related conditions and no experimental evidence demonstrating its impact on protein function have been reported. ClinVar contains an entry for this variant (Variation ID: 134245). Based on the evidence outlined above, the variant was classified as uncertain significance.

Counsyl
Classification: Uncertain significance for Fanconi anemia complementation group A. Last evaluated: 2018-02-01. Review status: no assertion criteria provided. Collection method: clinical testing. Allele origin: unknown. Not counted in ClinVar's aggregate classification.

ITMI
No classification provided. Condition: AllHighlyPenetrant. Last evaluated: 2013-09-19. Review status: no classification provided. Collection method: reference population. Allele origin: germline. Not counted in ClinVar's aggregate classification.
Comment: Please see associated publication for description of ethnicities

Literature cited by the submitters: PubMed 24728327 (cited by ITMI).